The following is an entry in ClinVar:

ClinVar aggregate classification (germline): Uncertain significance (1 of 4 stars; one submission).

Allele frequency attached by ClinVar (database versions not stated): gnomAD exomes below 0.00001 and 0.00001.
gnomAD v4.1: 2 of 1,613,050 alleles (0.00012%); highest among the groups gnomAD compares: Admixed American, 0.0033%; no homozygotes.

Submission:

Labcorp Genetics (formerly Invitae), Labcorp
Classification: Uncertain significance. Last evaluated: 2021-08-03. Review status: criteria provided, single submitter. Criteria: Invitae Variant Classification Sherloc (09022015). Collection method: clinical testing. Allele origin: germline.
Comment: This variant has not been reported in the literature in individuals affected with AEBP1-related conditions. In summary, the available evidence is currently insufficient to determine the role of this variant in disease. Therefore, it has been classified as a Variant of Uncertain Significance. Algorithms developed to predict the effect of missense changes on protein structure and function are either unavailable or do not agree on the potential impact of this missense change (SIFT: "Tolerated"; PolyPhen-2: "Probably Damaging"; Align-GVGD: "Class C0"). This variant is not present in population databases (ExAC no frequency). This sequence change replaces glycine with alanine at codon 609 of the AEBP1 protein (p.Gly609Ala). The glycine residue is highly conserved and there is a small physicochemical difference between glycine and alanine.

NM_001129.5(AEBP1):c.1826G>C (p.Gly609Ala)

Gene: AEBP1 (AE binding protein 1; plus strand). Cytogenetic location: 7p13.
Variant type: single nucleotide variant.
Coding change: c.1826G>C on transcript NM_001129.5 (MANE Select); coding-DNA position 1826, G replaced by C.
Protein change: p.Gly609Ala; replaces glycine 609 with alanine.
Molecular consequence: missense variant.
Genome position (GRCh38, 1-based): chr7:44,111,616, G>C. VCF-style: chr7-44111616-G-C. GRCh37 (hg19) VCF-style: chr7-44151215-G-C.
Other names: short protein forms G609A.
Identifiers: ClinVar variation 1354276 (VCV001354276.6), dbSNP rs1343690549, ClinGen allele CA367366721.
Genomic context (GRCh38, chr7:44,111,616, plus strand): 5'-GCCTGGGCAAGAGCTCACGAGGCCTCAAGATCTATGCCATGGAGATCTCAGACAACCCTG[G>C]GGAGCATGAACTGGGTGAGGGTCTGTGGGGGCCAGCAGCTGGCCTCTGCTGCTGATGTGC-3'
Protein context (NP_001120.3, residues 599-619): IYAMEISDNP[Gly609Ala]EHELGEPEFR